The following is an entry in ClinVar:

NM_018489.3(ASH1L):c.7919A>T (p.Tyr2640Phe)

Gene: ASH1L (ASH1 like histone lysine methyltransferase; minus strand). Cytogenetic location: 1q22.
Variant type: single nucleotide variant.
Coding change: c.7919A>T on transcript NM_018489.3 (MANE Select); coding-DNA position 7919, A replaced by T.
Protein change: p.Tyr2640Phe; replaces tyrosine 2640 with phenylalanine.
Molecular consequence: missense variant.
Genome position (GRCh38, 1-based): chr1:155,344,245, T>A on the plus strand (A>T on the coding strand, the complement: ASH1L is on the minus strand). VCF-style: chr1-155344245-T-A. GRCh37 (hg19) VCF-style: chr1-155314036-T-A.
Other names: c.7934A>T, p.Tyr2645Phe (NM_001366177.2); short protein forms Y2640F, Y2645F.
Identifiers: ClinVar variation 1690522 (VCV001690522.2), dbSNP rs757964056, ClinGen allele CA342731831.

ClinVar aggregate classification (germline): Uncertain significance (1 of 4 stars; one submission).

Submission:

Laboratorio de Genetica e Diagnostico Molecular, Hospital Israelita Albert Einstein
Classification: Uncertain significance. Last evaluated: 2021-12-07. Review status: criteria provided, single submitter. Criteria: ACMG Guidelines, 2015. Collection method: clinical testing. Allele origin: germline. Affected: yes.
Comment: ACMG classification criteria: PM2